The following is an entry in ClinVar:

ClinVar aggregate classification (germline): Uncertain significance (1 of 4 stars; one submission).

gnomAD v4.1: 3 of 1,613,970 alleles (0.00019%); highest among the groups gnomAD compares: Admixed American, 0.0017%; no homozygotes.

Submission:

GeneDx
Classification: Uncertain significance. Last evaluated: 2024-05-20. Review status: criteria provided, single submitter. Criteria: GeneDx Variant Classification Process June 2021. Collection method: clinical testing. Allele origin: germline. Affected: yes.
Comment: Not observed at significant frequency in large population cohorts (gnomAD); In silico analysis indicates that this missense variant does not alter protein structure/function; Has not been previously published as pathogenic or benign to our knowledge

NM_002473.6(MYH9):c.4506C>G (p.Phe1502Leu)

Gene: MYH9 (myosin heavy chain 9; minus strand). Cytogenetic location: 22q12.3.
Variant type: single nucleotide variant.
Coding change: c.4506C>G on transcript NM_002473.6 (MANE Select); coding-DNA position 4506, C replaced by G.
Protein change: p.Phe1502Leu; replaces phenylalanine 1502 with leucine.
Molecular consequence: missense variant.
Genome position (GRCh38, 1-based): chr22:36,289,136, G>C on the plus strand (C>G on the coding strand, the complement: MYH9 is on the minus strand). VCF-style: chr22-36289136-G-C. GRCh37 (hg19) VCF-style: chr22-36685182-G-C.
Other names: short protein forms F1502L.
Identifiers: ClinVar variation 3381539 (VCV003381539.1).